The following is an entry in ClinVar:

ClinVar aggregate classification (germline): Uncertain significance. Review status: criteria provided, multiple submitters, no conflicts (2 of 4 stars). 2 submissions from 2 submitters: Uncertain significance (2). Last evaluated 2026-02-03.

Conditions:
Intellectual developmental disorder, X-linked 1. Also called: MENTAL RETARDATION, X-LINKED 18; MENTAL RETARDATION, X-LINKED 78; Atkin Flaitz Patil Smith syndrome; Intellectual disability, X-linked 1. Identifiers: Orphanet 777, MedGen C2931498, MONDO:0010656, OMIM 309530.

Submissions (2):

GeneDx
Classification: Uncertain significance. Last evaluated: 2026-02-03. Review status: criteria provided, single submitter. Criteria: GeneDx Variant Classification Process June 2021. Collection method: clinical testing. Allele origin: germline.
Comment: Not observed at significant frequency in large population cohorts (gnomAD); In silico analysis supports a deleterious effect on splicing; Has not been previously published as pathogenic or benign to our knowledge

Victorian Clinical Genetics Services, Murdoch Childrens Research Institute
Classification: Uncertain significance for Intellectual developmental disorder, X-linked 1. Last evaluated: 2021-05-06. Review status: criteria provided, single submitter. Criteria: ACMG Guidelines, 2015. Collection method: clinical testing. Allele origin: germline. Inheritance: X-linked inheritance. Affected: yes.
Comment: Based on the classification scheme VCGS_Germline_v1.3.4, this variant is classified as VUS-3B. Following criteria are met: 0103 - Loss of function and gain of function are known mechanisms of disease in this gene and are associated with intellectual disability (MIM#309530). Missense variants have been demonstrated to both loss- and gain-of-function (PMID: 20473311, 30842726). (I) 0110 - This gene is associated with X-linked dominant disease. (I) 0212 - Non-canonical splice site variant without proven consequence on splicing (no functional evidence available). (SP) 0251 - This variant is heterozygous. (I) 0301 - Variant is absent from gnomAD (both v2 and v3). (SP) 0505 - Abnormal splicing is predicted by in silico tools however, affected nucleotide is moderately conserved. (I) 0705 - No comparable non-canonical splice site variants have previous evidence for pathogenicity. (I) 0807 - This variant has no previous evidence of pathogenicity. (I) 0905 - No published segregation evidence has been identified for this variant. (I) 1007 - No published functional evidence has been identified for this variant. (I) 1208 - Inheritance information for this variant is not currently available in this individual. (I) Legend: (SP) - Supporting pathogenic, (I) - Information, (SB) - Supporting benign

Literature cited by the submitters: PubMed 20473311 (cited by Victorian Clinical Genetics Services, Murdoch Childrens Research Institute); PubMed 30842726 (cited by Victorian Clinical Genetics Services, Murdoch Childrens Research Institute).

NM_001111125.3(IQSEC2):c.3015+3A>G

Gene: IQSEC2 (IQ motif and Sec7 domain ArfGEF 2; minus strand). Cytogenetic location: Xp11.22.
Variant type: single nucleotide variant.
Coding change: c.3015+3A>G on transcript NM_001111125.3 (MANE Select); 3 bases into the intron after coding-DNA position 3015, A replaced by G.
Molecular consequence: intron variant.
Genome position (GRCh38, 1-based): chrX:53,241,781, T>C on the plus strand (A>G on the coding strand, the complement: IQSEC2 is on the minus strand). VCF-style: chrX-53241781-T-C. GRCh37 (hg19) VCF-style: chrX-53270963-T-C.
Other names: c.2400+3A>G (NM_015075.2).
Identifiers: ClinVar variation 1804893 (VCV001804893.3), dbSNP rs2519731619, ClinGen allele CA923726308.